The following is an entry in ClinVar:

NM_002180.3(IGHMBP2):c.712-610A>G

Gene: IGHMBP2 (immunoglobulin mu DNA binding protein 2; plus strand). Cytogenetic location: 11q13.3.
Variant type: single nucleotide variant.
Coding change: c.712-610A>G on transcript NM_002180.3 (MANE Select); 610 bases into the intron before coding-DNA position 712, A replaced by G.
Molecular consequence: intron variant.
Genome position (GRCh38, 1-based): chr11:68,914,213, A>G. VCF-style: chr11-68914213-A-G. GRCh37 (hg19) VCF-style: chr11-68681681-A-G.
Identifiers: ClinVar variation 4535742 (VCV004535742.1).

ClinVar aggregate classification (germline): Likely pathogenic (1 of 4 stars; one submission).

Conditions:
Autosomal recessive distal spinal muscular atrophy 1. Also called: HMN VI; NEURONOPATHY, SEVERE INFANTILE AXONAL, WITH RESPIRATORY FAILURE; SEVERE INFANTILE AXONAL NEUROPATHY WITH RESPIRATORY FAILURE; SPINAL MUSCULAR ATROPHY, DIAPHRAGMATIC; NEURONOPATHY, DISTAL HEREDITARY MOTOR, HARDING TYPE VI; NEUROPATHY, DISTAL HEREDITARY MOTOR, AUTOSOMAL RECESSIVE 1. Identifiers: Orphanet 98920, MedGen C1858517, MONDO:0011436, OMIM 604320.

gnomAD v4.1: 1 of 152,052 alleles (0.00066%); highest among the groups gnomAD compares: African/African-American, 0.0024%; no homozygotes.

Submission:

Women's Health and Genetics/Laboratory Corporation of America, LabCorp
Classification: Likely pathogenic for Autosomal recessive distal spinal muscular atrophy 1. Last evaluated: 2025-09-05. Review status: criteria provided, single submitter. Criteria: LabCorp Variant Classification Summary - May 2015. Collection method: clinical testing. Allele origin: germline.
Comment: Variant summary: IGHMBP2 c.712-610A>G is located at a position not widely known to affect splicing. However, several computational tools predict a significant impact on normal splicing: Two predict the variant creates a 3' acceptor site. At least one publication reports experimental evidence that this variant indeed affects mRNA splicing, resulting in the use of a cryptic splice site and the inclusion of intronic material (Bodle_2021). The variant was absent in 31312 control chromosomes. c.712-610A>G has been observed in the compound heterozygous state in trans with a pathogenic variant in an individual affected with autosomal recessive distal spinal muscular atrophy (Bodle_2021). The following publication has been ascertained in the context of this evaluation (PMID: 33189025). No submitters have cited clinical-significance assessments for this variant to ClinVar. Based on the evidence outlined above, the variant was classified as likely pathogenic.

Literature cited by the submitters: PubMed 33189025.